The following is an entry in ClinVar:

ClinVar aggregate classification (germline): Uncertain significance. Review status: criteria provided, multiple submitters, no conflicts (2 of 4 stars). 4 submissions from 4 submitters: Uncertain significance (4). Last evaluated 2026-02-17.

Conditions:
Hereditary cancer-predisposing syndrome. Also called: Tumor predisposition; Hereditary neoplastic syndrome; Hereditary Cancer Syndrome; Neoplastic Syndromes, Hereditary. Identifiers: Orphanet 140162, MedGen C0027672, MeSH D009386, MONDO:0015356.
Lymphangiomyomatosis (LAM). Also called: Lymphangioleiomyomatosis, somatic; Lymphangioleiomyomatosis. Identifiers: Orphanet 538, MedGen C0751674, MONDO:0011705, OMIM 606690.
Tuberous sclerosis 2 (TSC2). Identifiers: Orphanet 805, MedGen C1860707, MONDO:0013199, OMIM 613254.

Allele frequency attached by ClinVar (database versions not stated): gnomAD exomes below 0.00001; ExAC 0.00001.
gnomAD v4.1: 4 of 1,612,866 alleles (0.00025%); highest among the groups gnomAD compares: Non-Finnish European, 0.00025%; no homozygotes.

Submissions (4):

Ambry Genetics
Classification: Uncertain significance for Hereditary cancer-predisposing syndrome. Last evaluated: 2026-02-17. Review status: criteria provided, single submitter. Criteria: Ambry Variant Classification Scheme 2023. Collection method: clinical testing. Allele origin: germline.

Labcorp Genetics (formerly Invitae), Labcorp
Classification: Uncertain significance for Tuberous sclerosis 2. Last evaluated: 2025-03-26. Review status: criteria provided, single submitter. Criteria: Invitae Variant Classification Sherloc (09022015). Collection method: clinical testing. Allele origin: germline.
Comment: This sequence change replaces leucine, which is neutral and non-polar, with isoleucine, which is neutral and non-polar, at codon 995 of the TSC2 protein (p.Leu995Ile). This variant is present in population databases (rs752248140, gnomAD 0.0009%). This variant has not been reported in the literature in individuals affected with TSC2-related conditions. ClinVar contains an entry for this variant (Variation ID: 930390). Invitae Evidence Modeling of protein sequence and biophysical properties (such as structural, functional, and spatial information, amino acid conservation, physicochemical variation, residue mobility, and thermodynamic stability) indicates that this missense variant is not expected to disrupt TSC2 protein function with a negative predictive value of 95%. In summary, the available evidence is currently insufficient to determine the role of this variant in disease. Therefore, it has been classified as a Variant of Uncertain Significance.

Centre for Mendelian Genomics, University Medical Centre Ljubljana
Classification: Uncertain significance for Lymphangiomyomatosis. Last evaluated: 2016-01-01. Review status: criteria provided, single submitter. Criteria: ACMG Guidelines, 2015. Collection method: clinical testing. Allele origin: unknown. Affected: yes.
Comment: This variant was classified as: Uncertain significance. The following ACMG criteria were applied in classifying this variant: PM2,PP3.

Institute of Human Genetics, University Hospital of Duesseldorf
Classification: Uncertain significance for Tuberous sclerosis 2. Review status: criteria provided, single submitter. Criteria: ACMG Guidelines, 2015. Collection method: not provided. Allele origin: germline. Inheritance: Autosomal dominant inheritance. Affected: yes.

NM_000548.5(TSC2):c.2983C>A (p.Leu995Ile)

Gene: TSC2 (TSC complex subunit 2; plus strand). Cytogenetic location: 16p13.3.
Variant type: single nucleotide variant.
Coding change: c.2983C>A on transcript NM_000548.5 (MANE Select); coding-DNA position 2983, C replaced by A.
Protein change: p.Leu995Ile; replaces leucine 995 with isoleucine.
Molecular consequence: missense variant.
Genome position (GRCh38, 1-based): chr16:2,079,048, C>A. VCF-style: chr16-2079048-C-A. GRCh37 (hg19) VCF-style: chr16-2129049-C-A.
Other names: c.2851C>A, p.Leu951Ile (NM_001077183.3, NM_001370404.1); c.2983C>A, p.Leu995Ile (NM_001114382.3); c.2743C>A, p.Leu915Ile (NM_001318827.2); c.2707C>A, p.Leu903Ile (NM_001318829.2); c.2251C>A, p.Leu751Ile (NM_001318831.2); c.2884C>A, p.Leu962Ile (NM_001318832.2); c.2854C>A, p.Leu952Ile (NM_001363528.2, NM_001370405.1, NM_021055.3); short protein forms L915I, L995I, L962I, L903I, L951I, L751I, L952I.
Identifiers: ClinVar variation 930390 (VCV000930390.16), dbSNP rs752248140, ClinGen allele CA043622.